The following is an entry in ClinVar:

NM_001903.5(CTNNA1):c.1369_1370dup (p.Leu457fs)

Gene: CTNNA1 (catenin alpha 1; plus strand). Cytogenetic location: 5q31.2.
Variant type: Duplication.
Coding change: c.1369_1370dup on transcript NM_001903.5 (MANE Select); coding-DNA positions 1369 to 1370, 2 bases duplicated (TT; older notation c.1369_1370dupTT).
Protein change: p.Leu457fs; shifts the reading frame from leucine 457.
Molecular consequence: frameshift variant. On other transcripts: 5 prime UTR variant (4), intron variant (3).
Genome position (GRCh38, 1-based): chr5:138,904,421-138,904,422, TT duplicated. VCF-style (leftmost placement, unchanged base first): chr5-138904420-G-GTT. GRCh37 (hg19) VCF-style: chr5-138240109-G-GTT.
Other names: c.1369_1370dup, p.Leu457fs (NM_001290307.3, NM_001323982.2, NM_001323983.1 and 2 more transcripts); c.1060_1061dup, p.Leu354fs (NM_001290309.3); c.1000_1001dup, p.Leu334fs (NM_001290310.3); c.259_260dup, p.Leu87fs (NM_001290312.1, NM_001323987.1, NM_001323988.1 and 17 more transcripts); c.-139_-138dup (NM_001324006.1, NM_001324007.1, NM_001324008.1 and 1 more transcripts); c.16_17dup, p.Leu6fs (NM_001324012.1, NM_001324013.1); c.1297-13321_1297-13320dup (NM_001323986.2); c.187-13321_187-13320dup (NM_001324011.1); and 1 more; short protein forms L6fs, L457fs, L87fs, L334fs, L354fs.
Identifiers: ClinVar variation 2448332 (VCV002448332.4), dbSNP rs2533354315, ClinGen allele CA2580072849.

ClinVar aggregate classification (germline): Pathogenic. Review status: criteria provided, multiple submitters, no conflicts (2 of 4 stars). 2 submissions from 2 submitters: Pathogenic (2). Last evaluated 2025-07-23.

Conditions:
Hereditary cancer-predisposing syndrome. Also called: Hereditary neoplastic syndrome; Tumor predisposition; Neoplastic Syndromes, Hereditary; Hereditary Cancer Syndrome. Identifiers: Orphanet 140162, MedGen C0027672, MeSH D009386, MONDO:0015356.
Hereditary diffuse gastric adenocarcinoma (HDGC). Also called: DIFFUSE GASTRIC AND LOBULAR BREAST CANCER SYNDROME. Identifiers: Orphanet 26106, MedGen C1708349, MONDO:0007648, OMIM 137215.

Submissions (2):

Myriad Genetics, Inc.
Classification: Pathogenic for Hereditary diffuse gastric adenocarcinoma. Last evaluated: 2025-07-23. Review status: criteria provided, single submitter. Criteria: Myriad Autosomal Dominant, Autosomal Recessive and X-Linked Classification Criteria (2023). Collection method: clinical testing. Allele origin: unknown.
Comment: This variant is considered pathogenic. This variant creates a frameshift predicted to result in premature protein truncation.

Ambry Genetics
Classification: Pathogenic for Hereditary cancer-predisposing syndrome. Last evaluated: 2025-07-14. Review status: criteria provided, single submitter. Criteria: Ambry Variant Classification Scheme 2023. Collection method: clinical testing. Allele origin: germline.
Comment: The c.1369_1370dupTT pathogenic mutation, located in coding exon 9 of the CTNNA1 gene, results from a duplication of TT at nucleotide position 1369, causing a translational frameshift with a predicted alternate stop codon (p.L457Ffs*2). This variant is considered to be rare based on population cohorts in the Genome Aggregation Database (gnomAD). This alteration is expected to result in loss of function by premature protein truncation or nonsense-mediated mRNA decay. As such, this alteration is interpreted as a disease-causing mutation.